The following is an entry in ClinVar:

ClinVar aggregate classification (germline): Uncertain significance (1 of 4 stars; one submission).

Submission:

Labcorp Genetics (formerly Invitae), Labcorp
Classification: Uncertain significance. Last evaluated: 2021-09-15. Review status: criteria provided, single submitter. Criteria: Invitae Variant Classification Sherloc (09022015). Collection method: clinical testing. Allele origin: germline.
Comment: This sequence change replaces glutamic acid with aspartic acid at codon 1152 of the COL4A1 protein (p.Glu1152Asp). The glutamic acid residue is highly conserved and there is a small physicochemical difference between glutamic acid and aspartic acid. This variant is not present in population databases (ExAC no frequency). This variant has not been reported in the literature in individuals affected with COL4A1-related conditions. Advanced modeling of protein sequence and biophysical properties (such as structural, functional, and spatial information, amino acid conservation, physicochemical variation, residue mobility, and thermodynamic stability) performed at Invitae indicates that this missense variant is not expected to disrupt COL4A1 protein function. In summary, the available evidence is currently insufficient to determine the role of this variant in disease. Therefore, it has been classified as a Variant of Uncertain Significance.

NM_001845.6(COL4A1):c.3456G>T (p.Glu1152Asp)

Gene: COL4A1 (collagen type IV alpha 1 chain; minus strand). Cytogenetic location: 13q34.
Variant type: single nucleotide variant.
Coding change: c.3456G>T on transcript NM_001845.6 (MANE Select); coding-DNA position 3456, G replaced by T.
Protein change: p.Glu1152Asp; replaces glutamic acid 1152 with aspartic acid.
Molecular consequence: missense variant.
Genome position (GRCh38, 1-based): chr13:110,173,949, C>A on the plus strand (G>T on the coding strand, the complement: COL4A1 is on the minus strand). VCF-style: chr13-110173949-C-A. GRCh37 (hg19) VCF-style: chr13-110826296-C-A.
Other names: short protein forms E1152D.
Identifiers: ClinVar variation 1449166 (VCV001449166.6), dbSNP rs2139159560, ClinGen allele CA388664201.
Genomic context (GRCh38, chr13:110,173,949, plus strand): 5'-TTGGGCCATACCTGGTTCACCCTTCTCTCCTGCTGACCCCGGGATTCCATCACTGCCTGG[C>A]TCCCCTTTCTGGCCAGCTGGGCCTGTGGGGCCAGGAGTCCCAGGAAGACCTCAAAGAGAA-3'
Protein context (NP_001836.3, residues 1142-1162): GPTGPAGQKG[Glu1152Asp]PGSDGIPGSA